The following is an entry in ClinVar:

ClinVar aggregate classification (germline): Conflicting classifications of pathogenicity. Review status: criteria provided, conflicting classifications (1 of 4 stars). 5 submissions from 5 submitters: Uncertain significance (1); Likely benign (2). 2 of the submissions do not count toward it. Last evaluated 2025-08-11.

Conditions:
Cardiovascular phenotype. Identifiers: MedGen CN230736.
LCAT deficiency. Also called: Lecithin Acyltransferase Deficiency. Identifiers: Orphanet 650, Orphanet 79293, MedGen C5779633, MONDO:0018999.

Allele frequency attached by ClinVar (database versions not stated): gnomAD exomes 0.00003 and 0.00007; ExAC 0.00007; 1000 Genomes Project 0.00020; 1000 Genomes Project 30x 0.00031; gnomAD 0.00033 and 0.00035; ESP Exome Variant Server 0.00046; TOPMed 0.00046.
gnomAD v4.1: 96 of 1,613,750 alleles (0.0059%); highest among the groups gnomAD compares: African/African-American, 0.11%; 1 homozygote.

Submissions (5):

Labcorp Genetics (formerly Invitae), Labcorp
Classification: Likely benign. Last evaluated: 2025-08-11. Review status: criteria provided, single submitter. Criteria: Invitae Variant Classification Sherloc (09022015). Collection method: clinical testing. Allele origin: germline.

Ambry Genetics
Classification: Likely benign for Cardiovascular phenotype. Last evaluated: 2022-03-06. Review status: criteria provided, single submitter. Criteria: Ambry Variant Classification Scheme 2023. Collection method: clinical testing. Allele origin: germline.

Illumina Laboratory Services, Illumina
Classification: Uncertain significance for Norum disease. Last evaluated: 2017-04-28. Review status: criteria provided, single submitter. Criteria: ICSL Variant Classification Criteria 13 December 2019. Collection method: clinical testing. Allele origin: germline.
Comment: This variant was observed as part of a predisposition screen in an ostensibly healthy population. A literature search was performed for the gene, cDNA change, and amino acid change (where applicable). Publications were found based on this search. However, the evidence from the literature, in combination with allele frequency data from public databases where available, was not sufficient to rule this variant in or out of causing disease. Therefore, this variant is classified as a variant of unknown significance.

Clinical Genetics, Academic Medical Center
Classification: Likely benign. Review status: no assertion criteria provided. Collection method: clinical testing. Allele origin: germline. Affected: yes. Study: VKGL Data-share Consensus. Not counted in ClinVar's aggregate classification.

Genome Diagnostics Laboratory, University Medical Center Utrecht
Classification: Likely benign. Review status: no assertion criteria provided. Collection method: clinical testing. Allele origin: germline. Affected: yes. Study: VKGL Data-share Consensus. Not counted in ClinVar's aggregate classification.

Literature cited by the submitters: PubMed 21600519 (cited by Illumina Laboratory Services, Illumina).

NM_000229.2(LCAT):c.597C>T (p.Val199=)

Gene: LCAT (lecithin-cholesterol acyltransferase; minus strand). Cytogenetic location: 16q22.1.
Variant type: single nucleotide variant.
Coding change: c.597C>T on transcript NM_000229.2 (MANE Select); coding-DNA position 597, C replaced by T.
Protein change: p.Val199=; no amino-acid change (valine 199 retained).
Molecular consequence: synonymous variant.
Genome position (GRCh38, 1-based): chr16:67,942,514, G>A on the plus strand (C>T on the coding strand, the complement: LCAT is on the minus strand). VCF-style: chr16-67942514-G-A. GRCh37 (hg19) VCF-style: chr16-67976417-G-A.
Identifiers: ClinVar variation 884655 (VCV000884655.11), dbSNP rs5922, ClinGen allele CA8121012.